The following continues an entry in ClinVar:

NM_007294.4(BRCA1):c.4689C>G (p.Tyr1563Ter)

Gene: BRCA1. ClinVar aggregate classification (germline): Pathogenic. Pathogenic (1).

Submissions 12 to 26 of 47:

Revvity Omics, Revvity
Classification: Pathogenic. Last evaluated: 2024-11-13. Review status: criteria provided, single submitter. Criteria: ACMG Guidelines, 2015. Collection method: clinical testing. Allele origin: germline. Not counted in ClinVar's aggregate classification.

Mayo Clinic Laboratories, Mayo Clinic
Classification: Pathogenic. Last evaluated: 2024-07-08. Review status: criteria provided, single submitter. Criteria: ACMG Guidelines, 2015. Collection method: clinical testing. Allele origin: germline. Not counted in ClinVar's aggregate classification.
Comment: PM5_strong, PVS1

Color Diagnostics, LLC DBA Color Health
Classification: Pathogenic for Hereditary cancer-predisposing syndrome. Last evaluated: 2024-06-18. Review status: criteria provided, single submitter. Criteria: ACMG Guidelines, 2015. Collection method: clinical testing. Allele origin: germline. Not counted in ClinVar's aggregate classification.
Comment: This variant changes 1 nucleotide in exon 15 of the BRCA1 gene, creating a premature translation stop signal. RNA analyses have shown that this variant leads to an absence of RNA transcript and protein product (PMID: 8554067, 12393792). This variant has been detected in multiple individuals and families affected with breast and ovarian cancer (PMID: 8554067, 11844822, 15951958, 20727672, 20807450, 22160602, 22711857, 22762150, 23110154, 25066507, 25452441, 27167707, 29339979, 33471991). This variant has been identified in 1/250704 chromosomes in the general population by the Genome Aggregation Database (gnomAD). Loss of BRCA1 function is a known mechanism of disease. Based on the available evidence, this variant is classified as Pathogenic.

St. Jude Molecular Pathology, St. Jude Children's Research Hospital
Classification: Pathogenic for Breast-ovarian cancer, familial, susceptibility to, 1. Last evaluated: 2024-05-15. Review status: criteria provided, single submitter. Criteria: St. Jude Assertion Criteria 2020. Collection method: clinical testing. Allele origin: germline. Not counted in ClinVar's aggregate classification.
Comment: The BRCA1 c.4689C>G (p.Tyr1563Ter) change creates a premature stop codon in exon 15. This change is predicted to cause protein truncation or absence of the protein due to nonsense mediated decay, and other protein truncation variants have been observed in exon 15. This variant has a maximum subpopulation frequency of 0.00088% in gnomAD v2.1.1. This variant has been observed in individuals with a personal and/or family history of breast and ovarian cancer and has been found to segregate with disease in affected individuals (PMID: 8554067, 20727672, 23110154, 25066507, 27167707). This variant has not been reported in the literature in individuals with Fanconi anemia. In summary, this variant meets criteria to be classified as pathogenic.

All of Us Research Program, National Institutes of Health
Classification: Pathogenic for BRCA1-related cancer predisposition. Last evaluated: 2024-02-08. Review status: criteria provided, single submitter. Criteria: ACMG Guidelines, 2015. Collection method: clinical testing. Allele origin: germline. Inheritance: Autosomal dominant inheritance. Observed: 4 variant alleles, 4 heterozygotes. Not counted in ClinVar's aggregate classification.
Comment: This variant changes 1 nucleotide in exon 15 of the BRCA1 gene, creating a premature translation stop signal. RNA analyses have shown that this variant leads to an absence of RNA transcript and protein product (PMID: 8554067, 12393792). This variant has been detected in multiple individuals and families affected with breast and ovarian cancer (PMID: 8554067, 11844822, 15951958, 20727672, 20807450, 22160602, 22711857, 22762150, 23110154, 25066507, 25452441, 27167707, 29339979, 33471991). This variant has been identified in 1/250704 chromosomes in the general population by the Genome Aggregation Database (gnomAD). Loss of BRCA1 function is a known mechanism of disease. Based on the available evidence, this variant is classified as Pathogenic.

This study involves interpretation of variants in research participants for the purpose of population health screening. Participant phenotype was not available at the time of variant classification. Additional details can be found in publication PMID: 35346344, PMCID: PMC8962531

Baylor Genetics
Classification: Pathogenic for Breast-ovarian cancer, familial, susceptibility to, 1. Last evaluated: 2023-08-24. Review status: criteria provided, single submitter. Criteria: ACMG Guidelines, 2015. Collection method: clinical testing. Allele origin: unknown. Not counted in ClinVar's aggregate classification.

Clinical Genetics Laboratory, Skane University Hospital Lund
Classification: Pathogenic. Last evaluated: 2023-07-05. Review status: criteria provided, single submitter. Criteria: ACMG Guidelines, 2015. Collection method: clinical testing. Allele origin: germline. Affected: yes. Not counted in ClinVar's aggregate classification.

ARUP Laboratories, Molecular Genetics and Genomics, ARUP Laboratories
Classification: Pathogenic. Last evaluated: 2023-03-21. Review status: criteria provided, single submitter. Criteria: ARUP Molecular Germline Variant Investigation Process 2024. Collection method: clinical testing. Allele origin: germline. Not counted in ClinVar's aggregate classification.
Comment: The BRCA1 c.4689C>G; p.Tyr1563Ter variant (rs80357433), also known as 4808C>G, is reported in the literature in multiple individuals and families affected with hereditary breast and ovarian cancer (Pern 2012, Rebbeck 2018, Schneegans 2012, Serova 1996). This variant is only observed on one allele in the Genome Aggregation Database, indicating it is not a common polymorphism. This variant induces an early termination codon and is predicted to result in a truncated protein or mRNA subject to nonsense-mediated decay. Based on available information, this variant is considered to be pathogenic. References: Pern F et al. Mutation analysis of BRCA1, BRCA2, PALB2 and BRD7 in a hospital-based series of German patients with triple-negative breast cancer. PLoS One. 2012;7(10):e47993. Rebbeck TR et al. Mutational spectrum in a worldwide study of 29,700 families with BRCA1 or BRCA2 mutations. Hum Mutat. 2018 May;39(5):593-620. Schneegans SM Validation of three BRCA1/2 mutation-carrier probability models Myriad, BRCAPRO and BOADICEA in a population-based series of 183 German families. Fam Cancer. 2012 Jun;11(2):181-8. Serova O et al. A high incidence of BRCA1 mutations in 20 breast-ovarian cancer families. Am J Hum Genet. 1996 Jan;58(1):42-51.

GeneDx
Classification: Pathogenic. Last evaluated: 2022-11-30. Review status: criteria provided, single submitter. Criteria: GeneDx Variant Classification Process June 2021. Collection method: clinical testing. Allele origin: germline. Affected: yes. Not counted in ClinVar's aggregate classification.
Comment: Nonsense variant predicted to result in protein truncation or nonsense mediated decay in a gene for which loss-of-function is a known mechanism of disease; Observed in individuals with a personal or family history consistent with pathogenic variants in this gene (Serova 1996, Shih 2002, Turkovic 2010, Schneegans 2012, Wong-Brown 2015, Nguyen-Dumont 2018); Not observed at a significant frequency in large population cohorts (gnomAD); Truncating variants in this gene are considered pathogenic by a well-established clinical consortium and/or database; Also known as 4808C>G; This variant is associated with the following publications: (PMID: 27167707, 30128899, 29422015, 30551077, 34657373, 29922827, 30040829, 28888541, 11844822, 8554067, 22160602, 23110154, 25556971, 24830819, 25682074, 26843898, 25948282, 25085752, 29339979, 28324225, 29907814, 29446198, 30487145, 30216591, 30322717, 20807450, 32072338, 30787465, 30612635, 29625052, 31447099, 35596902, 36367610, 36171877)

Blueprint Genetics
Classification: Pathogenic for BRCA1-related disorders. Last evaluated: 2021-12-23. Review status: criteria provided, single submitter. Criteria: ACMG Guidelines, 2015. Collection method: clinical testing. Allele origin: germline. Affected: yes. Observed: 1 variant allele. Not counted in ClinVar's aggregate classification.

Institute for Clinical Genetics, University Hospital TU Dresden, University Hospital TU Dresden
Classification: Pathogenic. Last evaluated: 2021-11-03. Review status: criteria provided, single submitter. Criteria: ACMG Guidelines, 2015. Collection method: clinical testing. Allele origin: germline. Not counted in ClinVar's aggregate classification.

MGZ Medical Genetics Center
Classification: Pathogenic for Breast-ovarian cancer, familial, susceptibility to, 1. Last evaluated: 2021-10-21. Review status: criteria provided, single submitter. Criteria: ACMG Guidelines, 2015. Collection method: clinical testing. Allele origin: germline. Affected: yes. Observed: 1 variant allele. Not counted in ClinVar's aggregate classification.
Comment: ACMG criteria applied: PVS1, PM2_SUP, PP1

Institute of Medical Genetics and Applied Genomics, University Hospital Tübingen
Classification: Pathogenic. Last evaluated: 2021-09-15. Review status: criteria provided, single submitter. Criteria: ACMG Guidelines, 2015. Collection method: clinical testing. Allele origin: germline. Inheritance: Autosomal dominant inheritance. Affected: yes. Not counted in ClinVar's aggregate classification.

Women's Health and Genetics/Laboratory Corporation of America, LabCorp
Classification: Pathogenic for Hereditary breast and ovarian cancer syndrome. Last evaluated: 2020-07-23. Review status: criteria provided, single submitter. Criteria: LabCorp Variant Classification Summary - May 2015. Collection method: clinical testing. Allele origin: germline. Not counted in ClinVar's aggregate classification.
Comment: Variant summary: BRCA1 c.4689C>G (p.Tyr1563X) results in a premature termination codon, predicted to cause a truncation of the encoded protein or absence of the protein due to nonsense mediated decay, which are commonly known mechanisms for disease. Truncations downstream of this position have been classified as pathogenic by our laboratory. The variant allele was found at a frequency of 4e-06 in 250704 control chromosomes (gnomAD). c.4689C>G has been reported in the literature in multiple individuals affected with Hereditary Breast And Ovarian Cancer Syndrome (Alsop_2012, Bergman_2005, Couch_2015, Rebbeck_2018). These data indicate that the variant is very likely to be associated with disease. To our knowledge, no experimental evidence demonstrating an impact on protein function has been reported. 21 ClinVar submitters, including one expert panel (ENIGMA), (evaluation after 2014) cite the variant as pathogenic. Based on the evidence outlined above, the variant was classified as pathogenic.

Genetics and Molecular Pathology, SA Pathology
Classification: Pathogenic for Breast-ovarian cancer, familial, susceptibility to, 1. Last evaluated: 2020-01-02. Review status: criteria provided, single submitter. Criteria: ACMG Guidelines, 2015. Collection method: clinical testing. Allele origin: germline. Inheritance: Autosomal dominant inheritance. Affected: yes. Not counted in ClinVar's aggregate classification.